The following is an entry in ClinVar:

ClinVar aggregate classification (germline): Likely benign (0 of 4 stars; one submission).

Conditions:
PLXNA4-related disorder. Also called: PLXNA4-related condition.

Allele frequency attached by ClinVar (database versions not stated): gnomAD exomes 0.00004; gnomAD 0.00011; ExAC 0.00026; 1000 Genomes Project 30x 0.00047; 1000 Genomes Project 0.00060.
gnomAD v4.1: 76 of 1,614,020 alleles (0.0047%); highest among the groups gnomAD compares: East Asian, 0.17%; no homozygotes.

Submission:

PreventionGenetics, part of Exact Sciences
Classification: Likely benign for PLXNA4-related condition. Last evaluated: 2023-10-17. Review status: no assertion criteria provided. Collection method: clinical testing. Allele origin: germline.
Comment: This variant is classified as likely benign based on ACMG/AMP sequence variant interpretation guidelines (Richards et al. 2015 PMID: 25741868, with internal and published modifications).

NM_020911.2(PLXNA4):c.1371+4321A>C

Gene: PLXNA4 (plexin A4; minus strand). Cytogenetic location: 7q32.3.
Variant type: single nucleotide variant.
Coding change: c.1371+4321A>C on transcript NM_020911.2 (MANE Select); 4321 bases into the intron after coding-DNA position 1371, A replaced by C.
Molecular consequence: intron variant. On other transcripts: missense variant (1).
Genome position (GRCh38, 1-based): chr7:132,484,971, T>G on the plus strand (A>C on the coding strand, the complement: PLXNA4 is on the minus strand). VCF-style: chr7-132484971-T-G. GRCh37 (hg19) VCF-style: chr7-132169730-T-G.
Other names: c.1414A>C, p.Ile472Leu (NM_181775.4); c.1371+4321A>C (NM_001393897.1, NM_001105543.2); short protein forms I472L.
Identifiers: ClinVar variation 3055062 (VCV003055062.2), dbSNP rs187437038, ClinGen allele CA4490267.